The following is an entry in ClinVar:

ClinVar aggregate classification (germline): Pathogenic/Likely pathogenic. Review status: criteria provided, multiple submitters, no conflicts (2 of 4 stars). 6 submissions from 5 submitters: Pathogenic (2); Likely pathogenic (1). 3 of the submissions do not count toward it. Last evaluated 2024-05-07.

Conditions:
Leukodystrophy. Identifiers: Orphanet 68356, MedGen C0023520, MONDO:0019046, HP:0002415.
Wiedemann-Rautenstrauch-like progeroid syndrome.
Neonatal pseudo-hydrocephalic progeroid syndrome. Also called: Wiedemann-Rautenstrauch syndrome. Identifiers: Orphanet 3455, MedGen C0406586, MONDO:0009910, OMIM 264090.

Allele frequency attached by ClinVar (database versions not stated): gnomAD exomes below 0.00001; TOPMed below 0.00001; ExAC 0.00001; gnomAD 0.00001; ESP Exome Variant Server 0.00008.

Submissions (6):

GeneDx
Classification: Pathogenic. Last evaluated: 2024-05-07. Review status: criteria provided, single submitter. Criteria: GeneDx Variant Classification Process June 2021. Collection method: clinical testing. Allele origin: germline. Affected: yes.
Comment: RNA studies demonstrate a damaging effect as this non-canonical splice variant results in abnormal splicing leading to an in-frame deletion of exon 26 with an unclear effect on protein function (PMID: 30450527, 30414627); Not observed at significant frequency in large population cohorts (gnomAD); This variant is associated with the following publications: (PMID: 30414627, 25898808, 30450527)

Broad Center for Mendelian Genomics, Broad Institute of MIT and Harvard
Classification: Likely pathogenic for Leukodystrophy. Last evaluated: 2024-01-24. Review status: criteria provided, single submitter. Criteria: ACMG Guidelines, 2015. Collection method: curation. Allele origin: germline. Inheritance: Autosomal recessive inheritance.
Comment: The c.3337-5T>A variant in POLR3A has been reported in 5 individuals with POLR3A-related disorders (PMID: 30414627, 30450527), and has been identified in 0.001% (1/11858) of European (non-Finnish) chromosomes by the Genome Aggregation Database (gnomAD; dbSNP ID: rs368905417). Although this variant has been seen in the general population in a heterozygous state, its frequency is low enough to be consistent with a recessive carrier frequency. This variant has also been reported in ClinVar (Variation ID#: 432594) and has been interpreted as likely pathogenic or pathogenic by multiple labs. Of the 5 affected individuals, 1 was a compound heterozygote that carried a likely pathogenic variants in trans, which increases the likelihood that the c.3337-5T>A variant is pathogenic (VariationID: 619036; PMID: 30414627). In vitro functional studies provide some evidence that the c.3337-5T>A variant may impact protein function (PMID: 30414627, 30450527). However, these types of assays may not accurately represent biological function. This variant is located in the 5' splice region. Computational tools do suggest an impact to splicing. However, this information is not predictive enough to determine pathogenicity. In summary, although additional studies are required to fully establish its clinical significance, this variant is likely pathogenic for autosomal recessive POLR3A-related disorders. ACMG/AMP Criteria applied: PM3, PP3, PS3_moderate, PM2_supporting (Richards 2015).

Cole/Wambach Lab, Washington University in St. Louis
Classification: Pathogenic for Neonatal pseudo-hydrocephalic progeroid syndrome. Last evaluated: 2018-10-01. Review status: criteria provided, single submitter. Criteria: ACMG Guidelines, 2015. Collection method: research. Allele origin: inherited. Affected: yes. Observed: 4 variant alleles.
Comment: in trans with other pathogenic variants in 4 unrelated individuals

OMIM
Classification: Pathogenic for WIEDEMANN-RAUTENSTRAUCH SYNDROME. Last evaluated: 2015-08-01. Review status: no assertion criteria provided. Collection method: literature only. Allele origin: germline. Not counted in ClinVar's aggregate classification.

University of Washington Center for Mendelian Genomics, University of Washington
Classification: Likely pathogenic for Wiedemann-Rautenstrauch-like progeroid syndrome. Review status: no assertion criteria provided. Collection method: research. Allele origin: inherited. Affected: yes. Not counted in ClinVar's aggregate classification.

University of Washington Center for Mendelian Genomics, University of Washington
Classification: Likely pathogenic for Wiedemann-Rautenstrauch Syndrome. Review status: no assertion criteria provided. Collection method: research. Allele origin: inherited. Affected: yes. Not counted in ClinVar's aggregate classification.

Literature cited by the submitters: PubMed 30414627 (cited by 3 submitters); PubMed 25898808 (cited by OMIM); PubMed 30450527 (cited by OMIM and University of Washington Center for Mendelian Genomics, University of Washington).

NM_007055.4(POLR3A):c.3337-5T>A

Gene: POLR3A (RNA polymerase III subunit A; minus strand). Cytogenetic location: 10q22.3.
Variant type: single nucleotide variant.
Coding change: c.3337-5T>A on transcript NM_007055.4 (MANE Select); 5 bases into the intron before coding-DNA position 3337, T replaced by A.
Molecular consequence: intron variant.
Genome position (GRCh38, 1-based): chr10:77,984,017, A>T on the plus strand (T>A on the coding strand, the complement: POLR3A is on the minus strand). VCF-style: chr10-77984017-A-T. GRCh37 (hg19) VCF-style: chr10-79743775-A-T.
Other names: IVS25, T-A, -5 (rs368905417).
Identifiers: ClinVar variation 432594 (VCV000432594.9), dbSNP rs368905417, ClinGen allele CA5570861.
Genomic context (GRCh38, chr10:77,984,017, plus strand): 5'-TTGACGAGAATAAAGCAGTCATCAGGAAGAAACACTTCTTCAATATACTCGGAAATCTGG[A>T]GTGTCAAAAGATCAGACTGTTAATCAGCCGCTTTCCCCTTTCCTAAGAGCACACGACTGC-3'